The following is an entry in ClinVar:

ClinVar aggregate classification (germline): Uncertain significance. Review status: criteria provided, multiple submitters, no conflicts (2 of 4 stars). 2 submissions from 2 submitters: Uncertain significance (2). Last evaluated 2022-01-18.

Conditions:
Autosomal recessive juvenile Parkinson disease 2. Also called: PARKINSON DISEASE, JUVENILE, AUTOSOMAL RECESSIVE; PRKN-Related Early-Onset Parkinson Disease; Parkinson disease, juvenile, type 2; Parkinson disease autosomal recessive, early onset; Juvenile parkinsonism; Parkinsonism, early onset, with diurnal fluctuation. Identifiers: Orphanet 2828, MedGen C1868675, MONDO:0010820, OMIM 600116.

Allele frequency attached by ClinVar (database versions not stated): gnomAD 0.00001; TOPMed 0.00002; gnomAD exomes 0.00003 and 0.00004; ExAC 0.00005.
gnomAD v4.1: 47 of 1,613,710 alleles (0.0029%); highest among the groups gnomAD compares: South Asian, 0.032%; no homozygotes.

Submissions (2):

Revvity Omics, Revvity
Classification: Uncertain significance for Autosomal recessive juvenile Parkinson disease 2. Last evaluated: 2022-01-18. Review status: criteria provided, single submitter. Criteria: ACMG Guidelines, 2015. Collection method: clinical testing. Allele origin: germline.

Labcorp Genetics (formerly Invitae), Labcorp
Classification: Uncertain significance. Last evaluated: 2021-08-27. Review status: criteria provided, single submitter. Criteria: Invitae Variant Classification Sherloc (09022015). Collection method: clinical testing. Allele origin: germline.
Comment: This sequence change replaces arginine with tryptophan at codon 104 of the PRKN protein (p.Arg104Trp). The arginine residue is moderately conserved and there is a moderate physicochemical difference between arginine and tryptophan. This variant is present in population databases (rs769099303, ExAC 0.02%). This missense change has been observed in individual(s) with early-onset Parkinson's disease (PMID: 16500134). Algorithms developed to predict the effect of missense changes on protein structure and function are either unavailable or do not agree on the potential impact of this missense change (SIFT: "Deleterious"; PolyPhen-2: "Possibly Damaging"; Align-GVGD: "Class C0"). In summary, the available evidence is currently insufficient to determine the role of this variant in disease. Therefore, it has been classified as a Variant of Uncertain Significance.

Literature cited by the submitters: PubMed 16500134 (cited by Labcorp Genetics (formerly Invitae), Labcorp).

NM_004562.3(PRKN):c.310C>T (p.Arg104Trp)

Gene: PRKN (parkin RBR E3 ubiquitin protein ligase; minus strand). Cytogenetic location: 6q26.
Variant type: single nucleotide variant.
Coding change: c.310C>T on transcript NM_004562.3 (MANE Select); coding-DNA position 310, C replaced by T.
Protein change: p.Arg104Trp; replaces arginine 104 with tryptophan.
Molecular consequence: missense variant. On other transcripts: intron variant (1).
Genome position (GRCh38, 1-based): chr6:162,262,627, G>A on the plus strand (C>T on the coding strand, the complement: PRKN is on the minus strand). VCF-style: chr6-162262627-G-A. GRCh37 (hg19) VCF-style: chr6-162683659-G-A.
Other names: c.310C>T, p.Arg104Trp (NM_013987.3); c.171+180683C>T (NM_013988.3); short protein forms R104W.
Identifiers: ClinVar variation 857451 (VCV000857451.9), dbSNP rs769099303, ClinGen allele CA4090420.